The following is an entry in ClinVar:

NM_001005361.3(DNM2):c.892A>G (p.Ser298Gly)

Gene: DNM2 (dynamin 2; plus strand). Cytogenetic location: 19p13.2.
Variant type: single nucleotide variant.
Coding change: c.892A>G on transcript NM_001005361.3 (MANE Select); coding-DNA position 892, A replaced by G.
Protein change: p.Ser298Gly; replaces serine 298 with glycine.
Molecular consequence: missense variant.
Genome position (GRCh38, 1-based): chr19:10,786,606, A>G. VCF-style: chr19-10786606-A-G. GRCh37 (hg19) VCF-style: chr19-10897282-A-G.
Other names: c.892A>G, p.Ser298Gly (NM_001005360.3, NM_001005362.3, NM_001190716.2 and 1 more transcripts); short protein forms S298G.
Identifiers: ClinVar variation 1994010 (VCV001994010.4), dbSNP rs758876149, ClinGen allele CA9200928.

ClinVar aggregate classification (germline): Uncertain significance (1 of 4 stars; one submission).

Conditions:
Charcot-Marie-Tooth disease dominant intermediate B (CMTDIB). Also called: Charcot-Marie-Tooth disease dominant intermediate 1; CMT DI1; Charcot-Marie-Tooth disease dominant intermediate I; CHARCOT-MARIE-TOOTH NEUROPATHY, DOMINANT INTERMEDIATE B. Identifiers: Orphanet 100044, Orphanet 228179, MedGen C1847902, MONDO:0011674, OMIM 606482.

Allele frequency attached by ClinVar (database versions not stated): ExAC 0.00001.
gnomAD v4.1: 1 of 1,614,096 alleles (0.000062%); highest among the groups gnomAD compares: Admixed American, 0.0017%; no homozygotes.

Submission:

Labcorp Genetics (formerly Invitae), Labcorp
Classification: Uncertain significance for Charcot-Marie-Tooth disease dominant intermediate B. Last evaluated: 2021-11-30. Review status: criteria provided, single submitter. Criteria: Invitae Variant Classification Sherloc (09022015). Collection method: clinical testing. Allele origin: germline.
Comment: In summary, the available evidence is currently insufficient to determine the role of this variant in disease. Therefore, it has been classified as a Variant of Uncertain Significance. Algorithms developed to predict the effect of missense changes on protein structure and function (SIFT, PolyPhen-2, Align-GVGD) all suggest that this variant is likely to be tolerated. This variant has not been reported in the literature in individuals affected with DNM2-related conditions. This variant is present in population databases (rs758876149, gnomAD 0.003%). This sequence change replaces serine, which is neutral and polar, with glycine, which is neutral and non-polar, at codon 298 of the DNM2 protein (p.Ser298Gly).